The following is an entry in ClinVar:

NC_000001.10:g.(?_215847432)_(215853728_?)dup

Gene: USH2A (usherin; minus strand). Cytogenetic location: 1q41.
Variant type: Duplication.
Identifiers: ClinVar variation 2427771 (VCV002427771.3).

ClinVar aggregate classification (germline): Likely pathogenic (1 of 4 stars; one submission).

Submission:

Labcorp Genetics (formerly Invitae), Labcorp
Classification: Likely pathogenic. Last evaluated: 2022-07-06. Review status: criteria provided, single submitter. Criteria: Invitae Variant Classification Sherloc (09022015). Collection method: clinical testing. Allele origin: germline.
Comment: This variant results in a copy number gain of the genomic region encompassing exon(s) 62-63 of the USH2A gene. While the exact position of this variant cannot be determined from the data, sub-genic copy number gains are generally in tandem (PMID: 25640679). This variant is predicted to be out-of-frame, and may result in an absent or disrupted protein product. Loss-of-function variants in USH2A are known to be pathogenic (PMID: 10729113, 10909849, 20507924, 25649381). A similar copy number variant has been observed in individual(s) with retinitis pigmentosa (Invitae). In summary, the currently available evidence indicates that the variant is pathogenic, but additional data are needed to prove that conclusively. Therefore, this variant has been classified as Likely Pathogenic.

Literature cited by the submitters: PubMed 25640679; PubMed 10729113; PubMed 10909849; PubMed 20507924; PubMed 25649381.